The following is an entry in ClinVar:

NM_000431.4(MVK):c.802A>G (p.Ile268Val)

Gene: MVK (mevalonate kinase; plus strand). Cytogenetic location: 12q24.11.
Variant type: single nucleotide variant.
Coding change: c.802A>G on transcript NM_000431.4 (MANE Select); coding-DNA position 802, A replaced by G.
Protein change: p.Ile268Val; replaces isoleucine 268 with valine.
Molecular consequence: missense variant.
Genome position (GRCh38, 1-based): chr12:109,591,274, A>G. VCF-style: chr12-109591274-A-G. GRCh37 (hg19) VCF-style: chr12-110029079-A-G.
Other names: c.802A>G (LRG_156t1); c.802A>G, p.Ile268Val (NM_001114185.3); c.646A>G, p.Ile216Val (NM_001301182.2); short protein forms I268V, I216V.
Identifiers: ClinVar variation 234380 (VCV000234380.9), dbSNP rs759997079, ClinGen allele CA6779384.

ClinVar aggregate classification (germline): Conflicting classifications of pathogenicity. Review status: criteria provided, conflicting classifications (1 of 4 stars). 2 submissions from 2 submitters: Likely pathogenic (1); Uncertain significance (1). Last evaluated 2025-11-15.

Conditions:
Mevalonic aciduria (MEVA). Identifiers: Orphanet 29, MedGen C1959626, MONDO:0012481, OMIM 610377.
Porokeratosis 3, disseminated superficial actinic type (POROK3). Also called: POROKERATOSIS, DISSEMINATED SUPERFICIAL ACTINIC, 1; POROKERATOSIS 3, MULTIPLE TYPES; POROKERATOSIS 3, MIBELLI TYPE. Identifiers: MedGen C1867981, MONDO:0008293, OMIM 175900.
Hyperimmunoglobulin D with periodic fever (HIDS). Also called: HYPERIMMUNOGLOBULINEMIA D AND PERIODIC FEVER SYNDROME; Hyperimmunoglobulinemia D; Hyperimmunoglobulinemia D with periodic fever. Identifiers: Orphanet 343, MedGen C0398691, MONDO:0009849, OMIM 260920.

Allele frequency attached by ClinVar (database versions not stated): gnomAD exomes below 0.00001 and 0.00001; TOPMed below 0.00001; gnomAD 0.00001; ExAC 0.00002.

Submissions (2):

Labcorp Genetics (formerly Invitae), Labcorp
Classification: Uncertain significance for Mevalonic aciduria; Hyperimmunoglobulin D with periodic fever; Porokeratosis 3, disseminated superficial actinic type. Last evaluated: 2025-11-15. Review status: criteria provided, single submitter. Criteria: Invitae Variant Classification Sherloc (09022015). Collection method: clinical testing. Allele origin: germline.
Comment: This sequence change replaces isoleucine, which is neutral and non-polar, with valine, which is neutral and non-polar, at codon 268 of the MVK protein (p.Ile268Val). This variant is present in population databases (rs759997079, gnomAD 0.003%). This missense change has been observed in individual(s) with clinical features of MVK-related conditions (internal data). In at least one individual the data is consistent with being in trans (on the opposite chromosome) from a pathogenic variant. ClinVar contains an entry for this variant (Variation ID: 234380). Invitae Evidence Modeling of protein sequence and biophysical properties (such as structural, functional, and spatial information, amino acid conservation, physicochemical variation, residue mobility, and thermodynamic stability) has been performed for this missense variant. However, the output from this modeling did not meet the statistical confidence thresholds required to predict the impact of this variant on MVK protein function. This variant disrupts the p.Ile268 amino acid residue in MVK. Other variant(s) that disrupt this residue have been determined to be pathogenic (PMID: 10369261, 10401001, 10417275, 11313769, 19011501, 21425920, 23692791, 24470648, 26116953, 27142780, 27213830). This suggests that this residue is clinically significant, and that variants that disrupt this residue are likely to be disease-causing. In summary, the available evidence is currently insufficient to determine the role of this variant in disease. Therefore, it has been classified as a Variant of Uncertain Significance.

GeneDx
Classification: Likely pathogenic. Last evaluated: 2023-02-10. Review status: criteria provided, single submitter. Criteria: GeneDx Variant Classification Process June 2021. Collection method: clinical testing. Allele origin: germline. Affected: yes.
Comment: Not observed at significant frequency in large population cohorts (gnomAD); In silico analysis supports that this missense variant does not alter protein structure/function; This variant is associated with the following publications: (PMID: Barron_2013_PMC)

Literature cited by the submitters: PubMed 10369261 (cited by Labcorp Genetics (formerly Invitae), Labcorp); PubMed 10401001 (cited by Labcorp Genetics (formerly Invitae), Labcorp); PubMed 10417275 (cited by Labcorp Genetics (formerly Invitae), Labcorp); PubMed 11313769 (cited by Labcorp Genetics (formerly Invitae), Labcorp); PubMed 19011501 (cited by Labcorp Genetics (formerly Invitae), Labcorp); PubMed 21425920 (cited by Labcorp Genetics (formerly Invitae), Labcorp); PubMed 23692791 (cited by Labcorp Genetics (formerly Invitae), Labcorp); PubMed 24470648 (cited by Labcorp Genetics (formerly Invitae), Labcorp); PubMed 26116953 (cited by Labcorp Genetics (formerly Invitae), Labcorp); PubMed 27142780 (cited by Labcorp Genetics (formerly Invitae), Labcorp); PubMed 27213830 (cited by Labcorp Genetics (formerly Invitae), Labcorp).